The following is an entry in ClinVar:

GRCh38/hg38 15q12(chr15:26575931-27051075)x1

Genes: GABRA5 (gamma-aminobutyric acid type A receptor subunit alpha5; plus strand), GABRB3 (gamma-aminobutyric acid type A receptor subunit beta3; minus strand), GABRG3 (gamma-aminobutyric acid type A receptor subunit gamma3; plus strand), LOC126862078 (BRD4-independent group 4 enhancer GRCh37_chr15:26860170-26861369; plus strand), LOC126862079 (BRD4-independent group 4 enhancer GRCh37_chr15:27034764-27035963; plus strand). Cytogenetic location: 15q12.
Variant type: copy number loss.
Change: copy number 1 (one copy instead of two) of chr15:26,575,931-27,051,075 (475.1 kb, GRCh38 coordinates, 1-based), cytogenetic band 15q12.
Identifiers: ClinVar variation 58204 (VCV000058204.1).

ClinVar aggregate classification (germline): Uncertain significance (1 of 4 stars; one submission).

Submission:

ISCA site 17
Classification: Uncertain significance. Last evaluated: 2011-08-12. Review status: criteria provided, single submitter. Criteria: Kaminsky et al. (Genet Med. 2011). Collection method: clinical testing. Allele origin: unknown. Affected: yes. Observed: 1 variant allele.
Comment: Copy number variation identified through the course of routine clinical cytogenomic testing in postnatal populations. Clinical assertions have been curated as described in Kaminsky et al. 2011.